The following is an entry in ClinVar:

NM_001040436.3(YARS2):c.590C>T (p.Thr197Met)

Gene: YARS2 (tyrosyl-tRNA synthetase 2; minus strand). Cytogenetic location: 12p11.21.
Variant type: single nucleotide variant.
Coding change: c.590C>T on transcript NM_001040436.3 (MANE Select); coding-DNA position 590, C replaced by T.
Protein change: p.Thr197Met; replaces threonine 197 with methionine.
Molecular consequence: missense variant.
Genome position (GRCh38, 1-based): chr12:32,755,285, G>A on the plus strand (C>T on the coding strand, the complement: YARS2 is on the minus strand). VCF-style: chr12-32755285-G-A. GRCh37 (hg19) VCF-style: chr12-32908219-G-A.
Other names: short protein forms T197M.
Identifiers: ClinVar variation 2131758 (VCV002131758.4), dbSNP rs1955826362, ClinGen allele CA384373590.

ClinVar aggregate classification (germline): Uncertain significance (1 of 4 stars; one submission).

Allele frequency attached by ClinVar (database versions not stated): TOPMed below 0.00001.
gnomAD v4.1: 1 of 1,614,128 alleles (0.000062%); highest among the groups gnomAD compares: Non-Finnish European, 0.000085%; no homozygotes.

Submission:

Labcorp Genetics (formerly Invitae), Labcorp
Classification: Uncertain significance. Last evaluated: 2022-04-29. Review status: criteria provided, single submitter. Criteria: Invitae Variant Classification Sherloc (09022015). Collection method: clinical testing. Allele origin: germline.
Comment: In summary, the available evidence is currently insufficient to determine the role of this variant in disease. Therefore, it has been classified as a Variant of Uncertain Significance. Advanced modeling of protein sequence and biophysical properties (such as structural, functional, and spatial information, amino acid conservation, physicochemical variation, residue mobility, and thermodynamic stability) performed at Invitae indicates that this missense variant is expected to disrupt YARS2 protein function. This variant has not been reported in the literature in individuals affected with YARS2-related conditions. This variant is not present in population databases (gnomAD no frequency). This sequence change replaces threonine, which is neutral and polar, with methionine, which is neutral and non-polar, at codon 197 of the YARS2 protein (p.Thr197Met).